The following is an entry in ClinVar:

ClinVar aggregate classification (germline): Uncertain significance. Review status: criteria provided, multiple submitters, no conflicts (2 of 4 stars). 5 submissions from 5 submitters: Uncertain significance (4). 1 of the submissions does not count toward it. Last evaluated 2024-03-26.

Conditions:
Autosomal recessive limb-girdle muscular dystrophy type 2B (LGMDR2). Also called: MUSCULAR DYSTROPHY, LIMB-GIRDLE, TYPE 3; MUSCULAR DYSTROPHY, LIMB-GIRDLE, AUTOSOMAL RECESSIVE 2; Limb-Girdle Muscular Dystrophy Type 2B (LGMD2B); Limb-girdle muscular dystrophy, type 2B. Identifiers: Orphanet 268, MedGen C1850889, MONDO:0009676, OMIM 253601.
Neuromuscular disease caused by qualitative or quantitative defects of dysferlin. Also called: Qualitative or quantitative defects of dysferlin; Dysferlinopathy. Identifiers: Orphanet 207073, MedGen C2931687, MONDO:0016145.

Allele frequency attached by ClinVar (database versions not stated): gnomAD 0.00001; ExAC 0.00002; gnomAD exomes 0.00002; TOPMed 0.00002.
gnomAD v4.1: 55 of 1,614,078 alleles (0.0034%); highest among the groups gnomAD compares: Middle Eastern, 0.033%; no homozygotes.

Submissions (5):

Blueprint Genetics
Classification: Uncertain significance. Last evaluated: 2024-03-26. Review status: criteria provided, single submitter. Criteria: ACMG Guidelines, 2015. Collection method: clinical testing. Allele origin: germline.

Labcorp Genetics (formerly Invitae), Labcorp
Classification: Uncertain significance for Neuromuscular disease caused by qualitative or quantitative defects of dysferlin. Last evaluated: 2022-08-13. Review status: criteria provided, single submitter. Criteria: Invitae Variant Classification Sherloc (09022015). Collection method: clinical testing. Allele origin: germline.
Comment: This sequence change replaces tyrosine, which is neutral and polar, with phenylalanine, which is neutral and non-polar, at codon 1716 of the DYSF protein (p.Tyr1716Phe). This variant is present in population databases (rs755108809, gnomAD 0.005%). This variant has not been reported in the literature in individuals affected with DYSF-related conditions. ClinVar contains an entry for this variant (Variation ID: 285750). Advanced modeling of protein sequence and biophysical properties (such as structural, functional, and spatial information, amino acid conservation, physicochemical variation, residue mobility, and thermodynamic stability) performed at Invitae indicates that this missense variant is not expected to disrupt DYSF protein function. In summary, the available evidence is currently insufficient to determine the role of this variant in disease. Therefore, it has been classified as a Variant of Uncertain Significance.

Illumina Laboratory Services, Illumina
Classification: Uncertain significance for Qualitative or quantitative defects of dysferlin. Last evaluated: 2018-01-13. Review status: criteria provided, single submitter. Criteria: ICSL Variant Classification Criteria 13 December 2019. Collection method: clinical testing. Allele origin: germline.

Eurofins Ntd Llc (ga)
Classification: Uncertain significance. Last evaluated: 2016-01-23. Review status: criteria provided, single submitter. Criteria: EGL Classification Definitions 2015. Collection method: clinical testing. Allele origin: germline. Observed: 1 variant allele, 1 heterozygote.

Natera, Inc.
Classification: Uncertain significance for Limb-girdle muscular dystrophy type 2B. Last evaluated: 2020-09-16. Review status: no assertion criteria provided. Collection method: clinical testing. Allele origin: germline. Not counted in ClinVar's aggregate classification.

NM_001130987.2(DYSF):c.5264A>T (p.Tyr1755Phe)

Gene: DYSF (dysferlin; plus strand). Cytogenetic location: 2p13.2.
Variant type: single nucleotide variant.
Coding change: c.5264A>T on transcript NM_001130987.2 (MANE Select); coding-DNA position 5264, A replaced by T.
Protein change: p.Tyr1755Phe; replaces tyrosine 1755 with phenylalanine.
Molecular consequence: missense variant.
Genome position (GRCh38, 1-based): chr2:71,665,251, A>T. VCF-style: chr2-71665251-A-T. GRCh37 (hg19) VCF-style: chr2-71892381-A-T.
Other names: c.5150A>T, p.Tyr1717Phe (NM_001130455.2); c.5105A>T, p.Tyr1702Phe (NM_001130976.2); c.5168A>T, p.Tyr1723Phe (NM_001130977.2); c.5210A>T, p.Tyr1737Phe (NM_001130978.2); c.5240A>T, p.Tyr1747Phe (NM_001130979.2); c.5198A>T, p.Tyr1733Phe (NM_001130980.2); c.5261A>T, p.Tyr1754Phe (NM_001130981.2); c.5243A>T, p.Tyr1748Phe (NM_001130982.2); and 5 more; short protein forms Y1755F, Y1716F, Y1702F, Y1703F, Y1723F, Y1734F, Y1754F, Y1733F.
Identifiers: ClinVar variation 285750 (VCV000285750.13), dbSNP rs755108809, ClinGen allele CA1707305.
Genomic context (GRCh38, chr2:71,665,251, plus strand): 5'-TCCGCCCCTCCCAGCTCCTCCACCTCTTCTGCCAGCAGCATAGAGTCAAGGCACCTGTGT[A>T]CCGGACAGACCGTGTAATGTTTCAGGATAAAGAATATTCCATTGAAGAGATAGGTGAGCT-3'
Protein context (NP_001124459.1, residues 1745-1765): CQQHRVKAPV[Tyr1755Phe]RTDRVMFQDK